The following is an entry in ClinVar:

ClinVar aggregate classification (germline): Uncertain significance (1 of 4 stars; one submission).

Submission:

Labcorp Genetics (formerly Invitae), Labcorp
Classification: Uncertain significance. Last evaluated: 2022-08-24. Review status: criteria provided, single submitter. Criteria: Invitae Variant Classification Sherloc (09022015). Collection method: clinical testing. Allele origin: germline.
Comment: This variant, c.206_211del, results in the deletion of 2 amino acid(s) of the TBXA2R protein (p.Gly69_Leu70del), but otherwise preserves the integrity of the reading frame. This variant is not present in population databases (gnomAD no frequency). This variant has not been reported in the literature in individuals affected with TBXA2R-related conditions. Experimental studies and prediction algorithms are not available or were not evaluated, and the functional significance of this variant is currently unknown. In summary, the available evidence is currently insufficient to determine the role of this variant in disease. Therefore, it has been classified as a Variant of Uncertain Significance.

NM_001060.6(TBXA2R):c.206_211del (p.Gly69_Leu70del)

Gene: TBXA2R (thromboxane A2 receptor; minus strand). Cytogenetic location: 19p13.3.
Variant type: Deletion.
Coding change: c.206_211del on transcript NM_001060.6 (MANE Select); coding-DNA positions 206 to 211, 6 bases deleted (GCCTCG; older notation c.206_211delGCCTCG).
Protein change: p.Gly69_Leu70del.
Molecular consequence: inframe deletion.
Genome position (GRCh38, 1-based): chr19:3,600,424-3,600,429, CGAGGC deleted on the plus strand (GCCTCG on the coding strand, the reverse complement: TBXA2R is on the minus strand); deleting any 6 consecutive bases within chr19:3,600,424-3,600,431 gives the same sequence; the c. name uses the placement nearest the transcript's 3' end. VCF-style (leftmost placement, unchanged base first): chr19-3600423-ACGAGGC-A. GRCh37 (hg19) VCF-style: chr19-3600421-ACGAGGC-A.
Other names: c.206_211del, p.Gly69_Leu70del (NM_201636.3).
Identifiers: ClinVar variation 2026953 (VCV002026953.4), dbSNP rs2512443982, ClinGen allele CA2580096151.